The following is an entry in ClinVar:

ClinVar aggregate classification (germline): Uncertain significance. Review status: criteria provided, multiple submitters, no conflicts (2 of 4 stars). 5 submissions from 5 submitters: Uncertain significance (5). Last evaluated 2025-03-26.

Conditions:
Sessile serrated polyposis cancer syndrome (SSPCS). Identifiers: Orphanet 157798, MedGen C4310714, MONDO:0014919, OMIM 617108.

Allele frequency attached by ClinVar (database versions not stated): gnomAD exomes below 0.00001 and 0.00001; gnomAD 0.00001; TOPMed 0.00002.

Submissions (5):

Labcorp Genetics (formerly Invitae), Labcorp
Classification: Uncertain significance. Last evaluated: 2025-03-26. Review status: criteria provided, single submitter. Criteria: Invitae Variant Classification Sherloc (09022015). Collection method: clinical testing. Allele origin: germline.
Comment: This sequence change replaces arginine, which is basic and polar, with cysteine, which is neutral and slightly polar, at codon 454 of the RNF43 protein (p.Arg454Cys). The frequency data for this variant in the population databases is considered unreliable, as metrics indicate poor data quality at this position in the gnomAD database. This variant has not been reported in the literature in individuals affected with RNF43-related conditions. ClinVar contains an entry for this variant (Variation ID: 1176053). An algorithm developed to predict the effect of missense changes on protein structure and function (PolyPhen-2) suggests that this variant is likely to be tolerated. In summary, the available evidence is currently insufficient to determine the role of this variant in disease. Therefore, it has been classified as a Variant of Uncertain Significance.

Center for Genomic Medicine, Rigshospitalet, Copenhagen University Hospital
Classification: Uncertain significance. Last evaluated: 2025-03-04. Review status: criteria provided, single submitter. Criteria: ACMG Guidelines, 2015. Collection method: clinical testing. Allele origin: germline.

Ambry Genetics
Classification: Uncertain significance. Last evaluated: 2025-01-27. Review status: criteria provided, single submitter. Criteria: Ambry Variant Classification Scheme 2023. Collection method: clinical testing. Allele origin: germline.
Comment: The p.R454C variant (also known as c.1360C>T), located in coding exon 8 of the RNF43 gene, results from a C to T substitution at nucleotide position 1360. The arginine at codon 454 is replaced by cysteine, an amino acid with highly dissimilar properties. This amino acid position is conserved. In addition, this alteration is predicted to be tolerated by in silico analysis. Based on the available evidence, the clinical significance of this variant remains unclear.

Revvity Omics, Revvity
Classification: Uncertain significance for Sessile serrated polyposis cancer syndrome. Last evaluated: 2023-08-11. Review status: criteria provided, single submitter. Criteria: ACMG Guidelines, 2015. Collection method: clinical testing. Allele origin: germline.

CeGaT Center for Human Genetics Tuebingen
Classification: Uncertain significance. Last evaluated: 2021-05-01. Review status: criteria provided, single submitter. Criteria: CeGaT Center For Human Genetics Tuebingen Variant Classification Criteria Version 2. Collection method: clinical testing. Allele origin: germline. Affected: yes. Observed: 1 variant allele.

NM_017763.6(RNF43):c.1360C>T (p.Arg454Cys)

Gene: RNF43 (ring finger protein 43; minus strand). Cytogenetic location: 17q22.
Variant type: single nucleotide variant.
Coding change: c.1360C>T on transcript NM_017763.6 (MANE Select); coding-DNA position 1360, C replaced by T.
Protein change: p.Arg454Cys; replaces arginine 454 with cysteine.
Molecular consequence: missense variant.
Genome position (GRCh38, 1-based): chr17:58,358,416, G>A on the plus strand (C>T on the coding strand, the complement: RNF43 is on the minus strand). VCF-style: chr17-58358416-G-A. GRCh37 (hg19) VCF-style: chr17-56435777-G-A.
Other names: c.1360C>T, p.Arg454Cys (NM_001305544.3); c.979C>T, p.Arg327Cys (NM_001305545.2); c.1360C>T (NM_017763.4); short protein forms R327C, R454C.
Identifiers: ClinVar variation 1176053 (VCV001176053.41), dbSNP rs1055597951, ClinGen allele CA292012658.